The following is an entry in ClinVar:

ClinVar aggregate classification (germline): Likely benign (0 of 4 stars; one submission).

Conditions:
TBX3-related disorder. Also called: TBX3-related condition.

Allele frequency attached by ClinVar (database versions not stated): gnomAD 0.00010.

Submission:

PreventionGenetics, part of Exact Sciences
Classification: Likely benign for TBX3-related condition. Last evaluated: 2023-05-31. Review status: no assertion criteria provided. Collection method: clinical testing. Allele origin: germline.
Comment: This variant is classified as likely benign based on ACMG/AMP sequence variant interpretation guidelines (Richards et al. 2015 PMID: 25741868, with internal and published modifications).

NM_005996.4(TBX3):c.-871C>T

Genes: TBX3 (T-box transcription factor 3; minus strand), TBX3-AS1 (TBX3 antisense RNA 1; plus strand). Cytogenetic location: 12q24.21.
Variant type: single nucleotide variant.
Coding change: c.-871C>T on transcript NM_005996.4 (MANE Select); 871 bases upstream of the start codon, C replaced by T.
Molecular consequence: 5 prime UTR variant.
Genome position (GRCh38, 1-based): chr12:114,684,071, G>A on the plus strand (C>T on the coding strand, the complement: TBX3 is on the minus strand). VCF-style: chr12-114684071-G-A. GRCh37 (hg19) VCF-style: chr12-115121876-G-A.
Other names: c.-871C>T (NM_016569.4).
Identifiers: ClinVar variation 3038367 (VCV003038367.2), dbSNP rs61933122, ClinGen allele CA244156117.
Genomic context (GRCh38, chr12:114,684,071, plus strand): 5'-CGCGCAGGGCAGGGAGGATTTAGAGGGGGAAAAAATGGAACAGAGGGAAAGAGAGGGAGG[G>A]GAGAGAGAGAGAGAGAGAGAGAGACGGAGTCGGAGAGGGAGGGAGCGAGAGAAAGCGAGA-3'